The following is an entry in ClinVar:

NM_178822.5(IGSF10):c.2126G>T (p.Gly709Val)

Gene: IGSF10 (immunoglobulin superfamily member 10; minus strand). Cytogenetic location: 3q25.1.
Variant type: single nucleotide variant.
Coding change: c.2126G>T on transcript NM_178822.5 (MANE Select); coding-DNA position 2126, G replaced by T.
Protein change: p.Gly709Val; replaces glycine 709 with valine.
Molecular consequence: missense variant.
Genome position (GRCh38, 1-based): chr3:151,447,855, C>A on the plus strand (G>T on the coding strand, the complement: IGSF10 is on the minus strand). VCF-style: chr3-151447855-C-A. GRCh37 (hg19) VCF-style: chr3-151165643-C-A.
Other names: c.2126G>T, p.Gly709Val (NM_001385060.1, NM_001385061.1, NM_001385062.1 and 1 more transcripts); short protein forms G709V.
Identifiers: ClinVar variation 724087 (VCV000724087.7), dbSNP rs79636265, ClinGen allele CA2670409.

ClinVar aggregate classification (germline): Likely benign. Review status: criteria provided, single submitter (1 of 4 stars). 2 submissions from 2 submitters: Likely benign (1). 1 of the submissions does not count toward it. Last evaluated 2024-11-08.

Conditions:
IGSF10-related disorder. Also called: IGSF10-related condition.

Allele frequency attached by ClinVar (database versions not stated): ESP Exome Variant Server 0.00069; gnomAD 0.00116 and 0.00106; gnomAD exomes 0.00012 and 0.00023; TOPMed 0.00119; 1000 Genomes Project 0.00120; ExAC 0.00032; 1000 Genomes Project 30x 0.00125.
gnomAD v4.1: 337 of 1,614,002 alleles (0.021%); highest among the groups gnomAD compares: African/African-American, 0.38%; 1 homozygote.

Submissions (2):

Labcorp Genetics (formerly Invitae), Labcorp
Classification: Likely benign. Last evaluated: 2024-11-08. Review status: criteria provided, single submitter. Criteria: Invitae Variant Classification Sherloc (09022015). Collection method: clinical testing. Allele origin: germline.

PreventionGenetics, part of Exact Sciences
Classification: Likely benign for IGSF10-related condition. Last evaluated: 2023-06-14. Review status: no assertion criteria provided. Collection method: clinical testing. Allele origin: germline. Not counted in ClinVar's aggregate classification.
Comment: This variant is classified as likely benign based on ACMG/AMP sequence variant interpretation guidelines (Richards et al. 2015 PMID: 25741868, with internal and published modifications).